The following is an entry in ClinVar:

NM_001430.5(EPAS1):c.824G>A (p.Arg275His)

Gene: EPAS1 (endothelial PAS domain protein 1; plus strand). Cytogenetic location: 2p21.
Variant type: single nucleotide variant.
Coding change: c.824G>A on transcript NM_001430.5 (MANE Select); coding-DNA position 824, G replaced by A.
Protein change: p.Arg275His; replaces arginine 275 with histidine.
Molecular consequence: missense variant.
Genome position (GRCh38, 1-based): chr2:46,369,871, G>A. VCF-style: chr2-46369871-G-A. GRCh37 (hg19) VCF-style: chr2-46597010-G-A.
Other names: short protein forms R275H.
Identifiers: ClinVar variation 3720329 (VCV003720329.2).

ClinVar aggregate classification (germline): Uncertain significance (1 of 4 stars; one submission).

gnomAD v4.1: 9 of 1,612,970 alleles (0.00056%); highest among the groups gnomAD compares: East Asian, 0.0022%; no homozygotes.

Submission:

Labcorp Genetics (formerly Invitae), Labcorp
Classification: Uncertain significance. Last evaluated: 2024-06-11. Review status: criteria provided, single submitter. Criteria: Invitae Variant Classification Sherloc (09022015). Collection method: clinical testing. Allele origin: germline.
Comment: This sequence change replaces arginine, which is basic and polar, with histidine, which is basic and polar, at codon 275 of the EPAS1 protein (p.Arg275His). The frequency data for this variant in the population databases is considered unreliable, as metrics indicate poor data quality at this position in the gnomAD database. This variant has not been reported in the literature in individuals affected with EPAS1-related conditions. An algorithm developed to predict the effect of missense changes on protein structure and function (PolyPhen-2) suggests that this variant is likely to be tolerated. In summary, the available evidence is currently insufficient to determine the role of this variant in disease. Therefore, it has been classified as a Variant of Uncertain Significance.